The following is an entry in ClinVar:

ClinVar aggregate classification (germline): Uncertain significance (1 of 4 stars; one submission).

Conditions:
Asphyxiating thoracic dystrophy 5 (SRTD5). Also called: SHORT-RIB THORACIC DYSPLASIA 5 WITH OR WITHOUT POLYDACTYLY; SHORT-RIB THORACIC DYSPLASIA 5 WITHOUT POLYDACTYLY. Identifiers: Orphanet 474, MedGen C3280598, MONDO:0013717, OMIM 614376.
Senior-Loken syndrome 8 (SLSN8). Identifiers: Orphanet 3156, MedGen C4225376, MONDO:0014579, OMIM 616307.

Submission:

Labcorp Genetics (formerly Invitae), Labcorp
Classification: Uncertain significance for Senior-Loken syndrome 8; Asphyxiating thoracic dystrophy 5. Last evaluated: 2023-07-17. Review status: criteria provided, single submitter. Criteria: Invitae Variant Classification Sherloc (09022015). Collection method: clinical testing. Allele origin: germline.
Comment: This variant is not present in population databases (gnomAD no frequency). This sequence change replaces serine, which is neutral and polar, with glycine, which is neutral and non-polar, at codon 110 of the WDR19 protein (p.Ser110Gly). ClinVar contains an entry for this variant (Variation ID: 1483399). Advanced modeling of protein sequence and biophysical properties (such as structural, functional, and spatial information, amino acid conservation, physicochemical variation, residue mobility, and thermodynamic stability) performed at Invitae indicates that this missense variant is not expected to disrupt WDR19 protein function. In summary, the available evidence is currently insufficient to determine the role of this variant in disease. Therefore, it has been classified as a Variant of Uncertain Significance. This variant has not been reported in the literature in individuals affected with WDR19-related conditions.

NM_025132.4(WDR19):c.328A>G (p.Ser110Gly)

Gene: WDR19 (WD repeat domain 19; plus strand). Cytogenetic location: 4p14.
Variant type: single nucleotide variant.
Coding change: c.328A>G on transcript NM_025132.4 (MANE Select); coding-DNA position 328, A replaced by G.
Protein change: p.Ser110Gly; replaces serine 110 with glycine.
Molecular consequence: missense variant. On other transcripts: intron variant (1).
Genome position (GRCh38, 1-based): chr4:39,194,581, A>G. VCF-style: chr4-39194581-A-G. GRCh37 (hg19) VCF-style: chr4-39196201-A-G.
Other names: c.-75+4800A>G (NM_001317924.2); short protein forms S110G.
Identifiers: ClinVar variation 1483399 (VCV001483399.6), dbSNP rs2109264662, ClinGen allele CA356631729.
Genomic context (GRCh38, chr4:39,194,581, plus strand): 5'-TAATTTATATCTTAATGTTACAGGGATCAAATGTCTTTCCTTCTTTGGTCAAAAGTTGGA[A>G]GTTTCCTGGCTGTTGGAACTGTTAAAGGAAATTTGCTTATTTATAATCATCAGACATCTC-3'
Protein context (NP_079408.3, residues 100-120): MSFLLWSKVG[Ser110Gly]FLAVGTVKGN